The following is an entry in ClinVar:

ClinVar aggregate classification (germline): Uncertain significance (1 of 4 stars; one submission).

Allele frequency attached by ClinVar (database versions not stated): gnomAD exomes 0.00001; ExAC 0.00002; gnomAD 0.00002.

Submission:

Labcorp Genetics (formerly Invitae), Labcorp
Classification: Uncertain significance. Last evaluated: 2025-12-09. Review status: criteria provided, single submitter. Criteria: Invitae Variant Classification Sherloc (09022015). Collection method: clinical testing. Allele origin: germline.
Comment: This sequence change affects codon 807 of the MICAL1 mRNA. It is a 'silent' change, meaning that it does not change the encoded amino acid sequence of the MICAL1 protein. This variant is present in population databases (rs761763668, gnomAD 0.007%). This variant has not been reported in the literature in individuals affected with MICAL1-related conditions. ClinVar contains an entry for this variant (Variation ID: 2892814). Algorithms developed to predict the effect of sequence changes on RNA splicing suggest that this variant may disrupt the consensus splice site. In summary, the available evidence is currently insufficient to determine the role of this variant in disease. Therefore, it has been classified as a Variant of Uncertain Significance.

NM_022765.4(MICAL1):c.2364G>A (p.Ser788=)

Gene: MICAL1 (microtubule associated monooxygenase, calponin and LIM domain containing 1; minus strand). Cytogenetic location: 6q21.
Variant type: single nucleotide variant.
Coding change: c.2364G>A on transcript NM_022765.4 (MANE Select); coding-DNA position 2364, G replaced by A.
Protein change: p.Ser788=; no amino-acid change (serine 788 retained).
Molecular consequence: synonymous variant.
Genome position (GRCh38, 1-based): chr6:109,446,353, C>T on the plus strand (G>A on the coding strand, the complement: MICAL1 is on the minus strand). VCF-style: chr6-109446353-C-T. GRCh37 (hg19) VCF-style: chr6-109767556-C-T.
Other names: c.2106G>A, p.Ser702= (NM_001159291.2); c.2421G>A, p.Ser807= (NM_001286613.2).
Identifiers: ClinVar variation 2892814 (VCV002892814.3), dbSNP rs761763668, ClinGen allele CA3952919.